The following is an entry in ClinVar:

NM_032656.4(DHX37):c.1464G>C (p.Arg488Ser)

Gene: DHX37 (DEAH-box helicase 37; minus strand). Cytogenetic location: 12q24.31.
Variant type: single nucleotide variant.
Coding change: c.1464G>C on transcript NM_032656.4 (MANE Select); coding-DNA position 1464, G replaced by C.
Protein change: p.Arg488Ser; replaces arginine 488 with serine.
Molecular consequence: missense variant.
Genome position (GRCh38, 1-based): chr12:124,967,163, C>G on the plus strand (G>C on the coding strand, the complement: DHX37 is on the minus strand). VCF-style: chr12-124967163-C-G. GRCh37 (hg19) VCF-style: chr12-125451709-C-G.
Other names: short protein forms R488S.
Identifiers: ClinVar variation 2172763 (VCV002172763.5), dbSNP rs369510919, ClinGen allele CA6872020.

ClinVar aggregate classification (germline): Conflicting classifications of pathogenicity. Review status: criteria provided, conflicting classifications (1 of 4 stars). 2 submissions from 2 submitters: Uncertain significance (1); Likely benign (1). Last evaluated 2025-10-14.

Conditions:
Neurodevelopmental disorder with brain anomalies and with or without vertebral or cardiac anomalies. Identifiers: MedGen C5231481, MONDO:0032888, OMIM 618731.

Allele frequency attached by ClinVar (database versions not stated): gnomAD 0.00003; TOPMed 0.00003; ExAC 0.00004; gnomAD exomes 0.00005; ESP Exome Variant Server 0.00015.
gnomAD v4.1: 82 of 1,613,704 alleles (0.0051%); highest among the groups gnomAD compares: Non-Finnish European, 0.0068%; no homozygotes.

Submissions (2):

Labcorp Genetics (formerly Invitae), Labcorp
Classification: Uncertain significance. Last evaluated: 2025-10-14. Review status: criteria provided, single submitter. Criteria: Invitae Variant Classification Sherloc (09022015). Collection method: clinical testing. Allele origin: germline.
Comment: This sequence change replaces arginine, which is basic and polar, with serine, which is neutral and polar, at codon 488 of the DHX37 protein (p.Arg488Ser). This variant is present in population databases (rs369510919, gnomAD 0.01%). This variant has not been reported in the literature in individuals affected with DHX37-related conditions. ClinVar contains an entry for this variant (Variation ID: 2172763). Invitae Evidence Modeling of protein sequence and biophysical properties (such as structural, functional, and spatial information, amino acid conservation, physicochemical variation, residue mobility, and thermodynamic stability) indicates that this missense variant is not expected to disrupt DHX37 protein function with a negative predictive value of 80%. In summary, the available evidence is currently insufficient to determine the role of this variant in disease. Therefore, it has been classified as a Variant of Uncertain Significance.

3billion
Classification: Likely benign for Neurodevelopmental disorder with brain anomalies and with or without vertebral or cardiac anomalies. Last evaluated: 2024-09-20. Review status: criteria provided, single submitter. Criteria: ACMG Guidelines, 2015. Collection method: clinical testing. Allele origin: germline. Affected: no.
Comment: The homozygous variant was found in patients diagnosed with another variant in a different gene, with no symptoms related to the gene containing the homozygous variant.